The following is an entry in ClinVar:

NM_003489.4(NRIP1):c.2184dup (p.Glu729fs)

Gene: NRIP1 (nuclear receptor interacting protein 1; minus strand). Cytogenetic location: 21q11.2.
Variant type: Duplication.
Coding change: c.2184dup on transcript NM_003489.4 (MANE Select); coding-DNA position 2184, one base duplicated (A; older notation c.2184dupA).
Protein change: p.Glu729fs; shifts the reading frame from glutamic acid 729.
Molecular consequence: frameshift variant.
Genome position (GRCh38, 1-based): chr21:14,966,009, T duplicated on the plus strand (A on the coding strand, the reverse complement: NRIP1 is on the minus strand); the first of 8 consecutive T bases (chr21:14,966,009-14,966,016); duplicating any one gives the same sequence. VCF-style (leftmost placement, unchanged base first): chr21-14966008-C-CT. GRCh37 (hg19) VCF-style: chr21-16338329-C-CT.
Other names: short protein forms E729fs.
Identifiers: ClinVar variation 3346757 (VCV003346757.1).
Genomic context (GRCh38, chr21:14,966,008, plus strand): 5'-GTTCACTTAAAGCTCTCTCTGAGTGTTCCTGAGTACTTTCATCTCTTAAGGGAGTTTTCT[C>CT]TTTTTTTTCACTCTTCCCTTTGTTGGGGTTCCCCAGGAGCAACTGGAGGACAGTACGTCT-3'

ClinVar aggregate classification (germline): Uncertain significance (0 of 4 stars; one submission).

Conditions:
NRIP1-related disorder. Also called: NRIP1-related condition.

Submission:

PreventionGenetics, part of Exact Sciences
Classification: Uncertain significance for NRIP1-related condition. Last evaluated: 2024-04-11. Review status: no assertion criteria provided. Collection method: clinical testing. Allele origin: germline.
Comment: The NRIP1 c.2184dupA variant is predicted to result in a frameshift and premature protein termination (p.Glu729Argfs*8). To our knowledge, this variant has not been reported in the literature or in a large population database, indicating this variant is rare. At this time, the clinical significance of this variant is uncertain due to the absence of conclusive functional and genetic evidence.